The following is an entry in ClinVar:

ClinVar aggregate classification (germline): Conflicting classifications of pathogenicity. Review status: criteria provided, conflicting classifications (1 of 4 stars). 5 submissions from 5 submitters: Uncertain significance (4); Likely benign (1). Last evaluated 2026-01-15.

Conditions:
NF1-related disorder. Also called: NF1-related condition. Identifiers: MedGen CN379171.
Hereditary cancer-predisposing syndrome. Also called: Neoplastic Syndromes, Hereditary; Hereditary neoplastic syndrome; Hereditary Cancer Syndrome; Tumor predisposition. Identifiers: Orphanet 140162, MedGen C0027672, MeSH D009386, MONDO:0015356.
Cardiovascular phenotype. Identifiers: MedGen CN230736.
Neurofibromatosis, type 1 (NF1). Also called: Neurofibromatosis, type I; Peripheral type neurofibromatosis; NEUROFIBROMATOSIS, TYPE I, SOMATIC; VON RECKLINGHAUSEN DISEASE. Identifiers: Orphanet 636, MedGen C0027831, MONDO:0018975, OMIM 162200. Disease mechanism: loss of function.

Allele frequency attached by ClinVar (database versions not stated): gnomAD exomes below 0.00001; TOPMed below 0.00001; ExAC 0.00001.

Submissions (5):

Labcorp Genetics (formerly Invitae), Labcorp
Classification: Likely benign for Neurofibromatosis, type 1. Last evaluated: 2026-01-15. Review status: criteria provided, single submitter. Criteria: Invitae Variant Classification Sherloc (09022015). Collection method: clinical testing. Allele origin: germline.

PreventionGenetics, part of Exact Sciences
Classification: Uncertain significance for NF1-related condition. Last evaluated: 2025-10-23. Review status: criteria provided, single submitter. Criteria: ACMG Guidelines, 2015. Collection method: clinical testing. Allele origin: germline.
Comment: The NF1 c.784C>T variant is predicted to result in the amino acid substitution p.Arg262Cys. This variant was reported as a germline variant in a study reviewing NF1 variants in the literature or in unpublished studies; however, clinical or functional evidence was not provided to further assess the pathogenicity of this variant (Table S1 in Laycock-van Spyk et al. 2011. PubMed ID: 22155606). In a second study, this variant was documented as a germline variant in an individual from an NF1 cohort (Thomas et al. 2011. PubMed ID: 22108604). This variant is reported in 0.00088% of alleles in individuals of European (Non-Finnish) descent in gnomAD and has conflicting classifications in ClinVar ranging from uncertain to likely benign (ClinVar ID: 237599). At this time, the clinical significance of this variant is uncertain due to the absence of conclusive functional and genetic evidence.

Ambry Genetics
Classification: Uncertain significance for Cardiovascular phenotype; Hereditary cancer-predisposing syndrome. Last evaluated: 2024-02-14. Review status: criteria provided, single submitter. Criteria: Ambry Variant Classification Scheme 2023. Collection method: clinical testing. Allele origin: germline.
Comment: The p.R262C variant (also known as c.784C>T), located in coding exon 8 of the NF1 gene, results from a C to T substitution at nucleotide position 784. The arginine at codon 262 is replaced by cysteine, an amino acid with highly dissimilar properties. This alteration was identified in the germlines of two individuals diagnosed with cutaneous neurofibromas; each tumor also contained a separate somatic NF1 mutation, and one exhibited loss of heterozygosity (Laycock-van Spyk S et al. Hum. Genomics 2011 Oct;5:623-90; Thomas L et al. Eur. J. Hum. Genet. 2012 Apr;20:411-9). This amino acid position is highly conserved in available vertebrate species. In addition, this alteration is predicted to be deleterious by in silico analysis. Since supporting evidence is limited at this time, the clinical significance of this alteration remains unclear.

GeneDx
Classification: Uncertain significance. Last evaluated: 2022-11-12. Review status: criteria provided, single submitter. Criteria: GeneDx Variant Classification Process June 2021. Collection method: clinical testing. Allele origin: germline. Affected: yes.
Comment: Observed in an individual with multiple neurofibromas (Laycock-van Spyk S et al., 2011); In silico analysis supports that this missense variant has a deleterious effect on protein structure/function; This variant is associated with the following publications: (PMID: 22108604, 22155606)

Genome-Nilou Lab
Classification: Uncertain significance for Neurofibromatosis, type 1. Last evaluated: 2022-03-15. Review status: criteria provided, single submitter. Criteria: ACMG Guidelines, 2015. Collection method: clinical testing. Allele origin: germline. Affected: no.

NM_001042492.3(NF1):c.784C>T (p.Arg262Cys)

Gene: NF1 (neurofibromin 1; plus strand). Cytogenetic location: 17q11.2.
Variant type: single nucleotide variant.
Coding change: c.784C>T on transcript NM_001042492.3 (MANE Select); coding-DNA position 784, C replaced by T.
Protein change: p.Arg262Cys; replaces arginine 262 with cysteine.
Molecular consequence: missense variant.
Genome position (GRCh38, 1-based): chr17:31,182,561, C>T. VCF-style: chr17-31182561-C-T. GRCh37 (hg19) VCF-style: chr17-29509579-C-T.
Other names: c.784C>T, p.Arg262Cys (NM_000267.4, NM_001128147.3); short protein forms R262C.
Identifiers: ClinVar variation 237599 (VCV000237599.17), dbSNP rs754343223, ClinGen allele CA8485641.